The following is an entry in ClinVar:

NM_153252.5(BRWD3):c.2721+4_2721+7dup

Gene: BRWD3 (bromodomain and WD repeat domain containing 3; minus strand). Cytogenetic location: Xq21.1.
Variant type: Duplication.
Coding change: c.2721+4_2721+7dup on transcript NM_153252.5 (MANE Select); bases 4 to 7 of the intron after coding-DNA position 2721, 4 bases duplicated (TGTA; older notation c.2721+4_2721+7dupTGTA).
Molecular consequence: intron variant.
Genome position (GRCh38, 1-based): chrX:80,704,671-80,704,674, TACA duplicated on the plus strand (TGTA on the coding strand, the reverse complement: BRWD3 is on the minus strand). VCF-style (leftmost placement, unchanged base first): chrX-80704670-T-TTACA. GRCh37 (hg19) VCF-style: chrX-79960169-T-TTACA.
Other names: c.2721+4_2721+7dupTGTA (NM_153252.4).
Identifiers: ClinVar variation 515334 (VCV000515334.1), dbSNP rs1261257777, ClinGen allele CA658799811.

ClinVar aggregate classification (germline): Likely benign (1 of 4 stars; one submission).

Allele frequency attached by ClinVar (database versions not stated): gnomAD exomes below 0.00001; TOPMed 0.00001.

Submission:

GeneDx
Classification: Likely benign. Last evaluated: 2018-01-31. Review status: criteria provided, single submitter. Criteria: GeneDx Variant Classification (06012015). Collection method: clinical testing. Allele origin: germline. Affected: yes.
Comment: This variant is considered likely benign or benign based on one or more of the following criteria: it is a conservative change, it occurs at a poorly conserved position in the protein, it is predicted to be benign by multiple in silico algorithms, and/or has population frequency not consistent with disease.